The following is an entry in ClinVar:

ClinVar aggregate classification (germline): Pathogenic/Likely pathogenic. Review status: criteria provided, multiple submitters, no conflicts (2 of 4 stars). 2 submissions from 2 submitters: Pathogenic (1); Likely pathogenic (1). Last evaluated 2023-09-07.

Conditions:
Familial cancer of breast. Also called: Hereditary breast cancer; hereditary breast carcinoma; BREAST CANCER, FAMILIAL. Identifiers: Orphanet 227535, MedGen C0346153, MONDO:0016419, OMIM 114480. Disease mechanism: loss of function.

Submissions (2):

Myriad Genetics, Inc.
Classification: Pathogenic for Familial cancer of breast. Last evaluated: 2023-09-07. Review status: criteria provided, single submitter. Criteria: Myriad Autosomal Dominant, Autosomal Recessive and X-Linked Classification Criteria (2023). Collection method: clinical testing. Allele origin: unknown.
Comment: This variant is considered pathogenic. This variant creates a frameshift predicted to result in premature protein truncation.

GeneDx
Classification: Likely pathogenic. Last evaluated: 2017-12-22. Review status: criteria provided, single submitter. Criteria: GeneDx Variant Classification (06012015). Collection method: clinical testing. Allele origin: germline. Affected: yes.
Comment: This deletion of one nucleotide in PALB2 is denoted c.770delG at the cDNA level and p.Gly257ValfsX22 (G257VfsX22) at the protein level. The normal sequence, with the base that is deleted in brackets, is AGCG[delG]TAGT. The deletion causes a frameshift, which changes a Glycine to a Valine at codon 257 and creates a premature stop codon at position 22 of the new reading frame. Although this variant has not, to our knowledge, been reported in the literature, it is predicted to cause loss of normal protein function through either protein truncation or nonsense-mediated mRNA decay. Based on currently available evidence, we consider this deletion to be a likely pathogenic variant.

NM_024675.4(PALB2):c.770del (p.Gly257fs)

Gene: PALB2 (partner and localizer of BRCA2; minus strand). Cytogenetic location: 16p12.2.
Variant type: Deletion.
Coding change: c.770del on transcript NM_024675.4 (MANE Select); coding-DNA position 770, one base deleted (G; older notation c.770delG).
Protein change: p.Gly257fs; shifts the reading frame from glycine 257.
Molecular consequence: frameshift variant.
Genome position (GRCh38, 1-based): chr16:23,635,776, C deleted on the plus strand (G on the coding strand, the reverse complement: PALB2 is on the minus strand); the first of 2 consecutive C bases (chr16:23,635,776-23,635,777); deleting either gives the same sequence. VCF-style (leftmost placement, unchanged base first): chr16-23635775-AC-A. GRCh37 (hg19) VCF-style: chr16-23647096-AC-A.
Other names: c.770delG (NM_024675.3); short protein forms G257fs.
Identifiers: ClinVar variation 545859 (VCV000545859.3), dbSNP rs1555461634, ClinGen allele CA658824048.
Genomic context (GRCh38, chr16:23,635,775, plus strand): 5'-GTCGTGAGTAGTAAGTTCACTGCTACCTTTAGGAGGAATGTGTTCAAGGTGCTGACTACT[AC>A]CGCTATCTGATAGAGTCTGTAAAGGAACTGTAGTCGCCCTGGTGAAATTAGGTCTTCTTA-3'